The following is an entry in ClinVar:

ClinVar aggregate classification (germline): Benign/Likely benign. Review status: criteria provided, multiple submitters, no conflicts (2 of 4 stars). 3 submissions from 3 submitters: Benign (1); Likely benign (1). 1 of the submissions does not count toward it. Last evaluated 2025-07-06.

Conditions:
SMARCA2-related disorder. Also called: SMARCA2-related condition.
Inborn genetic diseases. Identifiers: MedGen C0950123, MeSH D030342.

Allele frequency attached by ClinVar (database versions not stated): 1000 Genomes Project 30x 0.00031; gnomAD 0.00001; ExAC 0.00002; gnomAD exomes below 0.00001; 1000 Genomes Project 0.00020; TOPMed 0.00002.
gnomAD v4.1: 26 of 1,613,536 alleles (0.0016%); highest among the groups gnomAD compares: East Asian, 0.016%; no homozygotes.

Submissions (3):

Labcorp Genetics (formerly Invitae), Labcorp
Classification: Benign. Last evaluated: 2025-07-06. Review status: criteria provided, single submitter. Criteria: Invitae Variant Classification Sherloc (09022015). Collection method: clinical testing. Allele origin: germline.

Ambry Genetics
Classification: Likely benign for Inborn genetic diseases. Last evaluated: 2021-07-20. Review status: criteria provided, single submitter. Criteria: Ambry Variant Classification Scheme 2023. Collection method: clinical testing. Allele origin: germline.

PreventionGenetics, part of Exact Sciences
Classification: Likely benign for SMARCA2-related condition. Last evaluated: 2021-10-28. Review status: no assertion criteria provided. Collection method: clinical testing. Allele origin: germline. Not counted in ClinVar's aggregate classification.
Comment: This variant is classified as likely benign based on ACMG/AMP sequence variant interpretation guidelines (Richards et al. 2015 PMID: 25741868, with internal and published modifications).

NM_003070.5(SMARCA2):c.3344C>T (p.Pro1115Leu)

Gene: SMARCA2 (SWI/SNF related BAF chromatin remodeling complex subunit ATPase 2; plus strand). Cytogenetic location: 9p24.3.
Variant type: single nucleotide variant.
Coding change: c.3344C>T on transcript NM_003070.5 (MANE Select); coding-DNA position 3344, C replaced by T.
Protein change: p.Pro1115Leu; replaces proline 1115 with leucine.
Molecular consequence: missense variant.
Genome position (GRCh38, 1-based): chr9:2,110,305, C>T. VCF-style: chr9-2110305-C-T. GRCh37 (hg19) VCF-style: chr9-2110305-C-T.
Other names: c.3344C>T, p.Pro1115Leu (NM_001289396.2, NM_139045.4); c.3170C>T, p.Pro1057Leu (NM_001289397.2); short protein forms P1115L, P1057L.
Identifiers: ClinVar variation 2374771 (VCV002374771.7), dbSNP rs377073211, ClinGen allele CA4963754.